The following is an entry in ClinVar:

ClinVar aggregate classification (germline): Uncertain significance (1 of 4 stars; one submission).

Conditions:
Absence seizure. Also called: Absence epilepsy. Identifiers: Orphanet 1941, MedGen C0014553.
Myoclonic epilepsy, juvenile, susceptibility to, 1. Also called: Myoclonic Epilepsy, Juvenile, 1; EJM1. Identifiers: MedGen C1850778, MONDO:0020752, OMIM 254770.

Submission:

Labcorp Genetics (formerly Invitae), Labcorp
Classification: Uncertain significance for Myoclonic epilepsy, juvenile, susceptibility to, 1; Absence seizure. Last evaluated: 2020-04-14. Review status: criteria provided, single submitter. Criteria: Invitae Variant Classification Sherloc (09022015). Collection method: clinical testing. Allele origin: germline.
Comment: This variant is not present in population databases (ExAC no frequency). This sequence change replaces threonine with arginine at codon 252 of the EFHC1 protein (p.Thr252Arg). The threonine residue is highly conserved and there is a moderate physicochemical difference between threonine and arginine. This variant has not been reported in the literature in individuals with EFHC1-related conditions. Algorithms developed to predict the effect of missense changes on protein structure and function output the following: SIFT: "Tolerated"; PolyPhen-2: "Benign"; Align-GVGD: "Class C0". The arginine amino acid residue is found in multiple mammalian species, suggesting that this missense change does not adversely affect protein function. These predictions have not been confirmed by published functional studies and their clinical significance is uncertain. In summary, the available evidence is currently insufficient to determine the role of this variant in disease. Therefore, it has been classified as a Variant of Uncertain Significance.

NM_018100.4(EFHC1):c.755C>G (p.Thr252Arg)

Gene: EFHC1 (EF-hand domain containing 1; plus strand). Cytogenetic location: 6p12.2.
Variant type: single nucleotide variant.
Coding change: c.755C>G on transcript NM_018100.4 (MANE Select); coding-DNA position 755, C replaced by G.
Protein change: p.Thr252Arg; replaces threonine 252 with arginine.
Molecular consequence: missense variant. On other transcripts: non-coding transcript variant (1).
Genome position (GRCh38, 1-based): chr6:52,454,126, C>G. VCF-style: chr6-52454126-C-G. GRCh37 (hg19) VCF-style: chr6-52318924-C-G.
Other names: c.698C>G, p.Thr233Arg (NM_001172420.2); short protein forms T233R, T252R.
Identifiers: ClinVar variation 1042685 (VCV001042685.10), dbSNP rs747450415, ClinGen allele CA364452618.